The following is an entry in ClinVar:

ClinVar aggregate classification (germline): Pathogenic (1 of 4 stars; one submission).

Conditions:
Hereditary factor XI deficiency disease. Also called: PLASMA THROMBOPLASTIN ANTECEDENT DEFICIENCY; PTA DEFICIENCY; ROSENTHAL SYNDROME; Congenital factor XI deficiency. Identifiers: Orphanet 329, MedGen C0015523, MeSH D005173, MONDO:0012897, OMIM 612416.

Submission:

Myriad Genetics, Inc.
Classification: Pathogenic for Hereditary factor XI deficiency disease. Last evaluated: 2026-04-23. Review status: criteria provided, single submitter. Criteria: Myriad Autosomal Dominant, Autosomal Recessive and X-Linked Classification Criteria (2023). Collection method: clinical testing. Allele origin: unknown.
Comment: NM_000128.3(F11):c.1346delT(L449*) is a frameshift variant classified as pathogenic in the context of factor XI deficiency. L449* has not been observed in cases with relevant disease. Relevant functional assessments of this variant are not available in the literature. L449* has not been observed in referenced population frequency databases. In summary, NM_000128.3(F11):c.1346delT(L449*) is a frameshift variant in a gene where loss of function is a known mechanism of disease and is predicted to disrupt protein function. Please note: this variant was assessed in the context of healthy population screening.

NM_000128.4(F11):c.1346del (p.Ile448_Leu449insTer)

Gene: F11 (coagulation factor XI; plus strand). Cytogenetic location: 4q35.2.
Variant type: Deletion.
Coding change: c.1346del on transcript NM_000128.4 (MANE Select); coding-DNA position 1346, one base deleted (T; older notation c.1346delT).
Protein change: p.Ile448_Leu449insTer.
Molecular consequence: nonsense.
Genome position (GRCh38, 1-based): chr4:186,285,679, T deleted; the last of 4 consecutive T bases (chr4:186,285,676-186,285,679); deleting any one gives the same sequence. VCF-style (leftmost placement, unchanged base first): chr4-186285675-AT-A. GRCh37 (hg19) VCF-style: chr4-187206829-AT-A.
Other names: c.1298del, p.Ile432_Leu433insTer (NM_001440590.1, NM_001440596.1); c.1346del, p.Ile448_Leu449insTer (NM_001440593.1); c.1076del, p.Ile358_Leu359insTer (NM_001440605.1, NM_001440607.1); c.1028del, p.Ile342_Leu343insTer (NM_001440606.1, NM_001440608.1).
Identifiers: ClinVar variation 5003759 (VCV005003759.1).